The following is an entry in ClinVar:

NM_005732.4(RAD50):c.3764G>A (p.Ser1255Asn)

Genes: TH2-LCR (Th2 cytokine locus control region; plus strand), TH2LCRR (T helper type 2 locus control region associated RNA; minus strand), RAD50 (RAD50 double strand break repair protein; plus strand). Cytogenetic location: 5q31.1.
Variant type: single nucleotide variant.
Coding change: c.3764G>A on transcript NM_005732.4 (MANE Select); coding-DNA position 3764, G replaced by A.
Protein change: p.Ser1255Asn; replaces serine 1255 with asparagine.
Molecular consequence: missense variant.
Genome position (GRCh38, 1-based): chr5:132,642,189, G>A. VCF-style: chr5-132642189-G-A. GRCh37 (hg19) VCF-style: chr5-131977881-G-A.
Other names: short protein forms S1255N.
Identifiers: ClinVar variation 484674 (VCV000484674.16), dbSNP rs1202026618, ClinGen allele CA360935597.

ClinVar aggregate classification (germline): Uncertain significance. Review status: criteria provided, multiple submitters, no conflicts (2 of 4 stars). 3 submissions from 3 submitters: Uncertain significance (3). Last evaluated 2025-10-02.

Conditions:
Nijmegen breakage syndrome-like disorder (NBSLD). Also called: MICROCEPHALY AND SPONTANEOUS CHROMOSOME INSTABILITY WITHOUT IMMUNODEFICIENCY; NBS-LIKE DISORDER; RAD50 DEFICIENCY. Identifiers: Orphanet 240760, MedGen C2751318, MONDO:0013118, OMIM 613078.
Hereditary cancer-predisposing syndrome. Also called: Neoplastic Syndromes, Hereditary; Tumor predisposition; Hereditary Cancer Syndrome; Hereditary neoplastic syndrome. Identifiers: Orphanet 140162, MedGen C0027672, MeSH D009386, MONDO:0015356.

Allele frequency attached by ClinVar (database versions not stated): gnomAD exomes below 0.00001.

Submissions (3):

Ambry Genetics
Classification: Uncertain significance for Hereditary cancer-predisposing syndrome. Last evaluated: 2025-10-02. Review status: criteria provided, single submitter. Criteria: Ambry Variant Classification Scheme 2023. Collection method: clinical testing. Allele origin: germline.
Comment: The p.S1255N variant (also known as c.3764G>A), located in coding exon 25 of the RAD50 gene, results from a G to A substitution at nucleotide position 3764. The serine at codon 1255 is replaced by asparagine, an amino acid with highly similar properties. This amino acid position is highly conserved in available vertebrate species. In addition, this alteration is predicted to be tolerated by in silico analysis. Since supporting evidence is limited at this time, the clinical significance of this alteration remains unclear.

Fulgent Genetics
Classification: Uncertain significance for Nijmegen breakage syndrome-like disorder. Last evaluated: 2022-01-03. Review status: criteria provided, single submitter. Criteria: ACMG Guidelines, 2015. Collection method: clinical testing. Allele origin: unknown.

Labcorp Genetics (formerly Invitae), Labcorp
Classification: Uncertain significance for Hereditary cancer-predisposing syndrome. Last evaluated: 2021-05-28. Review status: criteria provided, single submitter. Criteria: Invitae Variant Classification Sherloc (09022015). Collection method: clinical testing. Allele origin: germline.
Comment: In summary, the available evidence is currently insufficient to determine the role of this variant in disease. Therefore, it has been classified as a Variant of Uncertain Significance. Algorithms developed to predict the effect of missense changes on protein structure and function (SIFT, PolyPhen-2, Align-GVGD) all suggest that this variant is likely to be tolerated, but these predictions have not been confirmed by published functional studies and their clinical significance is uncertain. This variant has not been reported in the literature in individuals with RAD50-related disease. ClinVar contains an entry for this variant (Variation ID: 484674). This variant is not present in population databases (ExAC no frequency). This sequence change replaces serine with asparagine at codon 1255 of the RAD50 protein (p.Ser1255Asn). The serine residue is moderately conserved and there is a small physicochemical difference between serine and asparagine.